The following is an entry in ClinVar:

ClinVar aggregate classification (germline): Uncertain significance (1 of 4 stars; one submission).

Conditions:
Inborn genetic diseases. Identifiers: MedGen C0950123, MeSH D030342.

Submission:

Ambry Genetics
Classification: Uncertain significance for Inborn genetic diseases. Last evaluated: 2024-06-29. Review status: criteria provided, single submitter. Criteria: Ambry Variant Classification Scheme 2023. Collection method: clinical testing. Allele origin: germline.
Comment: The p.D564N variant (also known as c.1690G>A), located in coding exon 7 of the ATR gene, results from a G to A substitution at nucleotide position 1690. The aspartic acid at codon 564 is replaced by asparagine, an amino acid with highly similar properties. This amino acid position is conserved. In addition, this alteration is predicted to be tolerated by in silico analysis. Based on the available evidence, the clinical significance of this variant remains unclear.

NM_001184.4(ATR):c.1690G>A (p.Asp564Asn)

Gene: ATR (ATR serine/threonine kinase; minus strand). Cytogenetic location: 3q23.
Variant type: single nucleotide variant.
Coding change: c.1690G>A on transcript NM_001184.4 (MANE Select); coding-DNA position 1690, G replaced by A.
Protein change: p.Asp564Asn; replaces aspartic acid 564 with asparagine.
Molecular consequence: missense variant.
Genome position (GRCh38, 1-based): chr3:142,559,293, C>T on the plus strand (G>A on the coding strand, the complement: ATR is on the minus strand). VCF-style: chr3-142559293-C-T. GRCh37 (hg19) VCF-style: chr3-142278135-C-T.
Other names: c.1498G>A, p.Asp500Asn (NM_001354579.2); short protein forms D500N, D564N.
Identifiers: ClinVar variation 3462304 (VCV003462304.1).
Genomic context (GRCh38, chr3:142,559,293, plus strand): 5'-TTGCTAATTTGTACTCACCTTGCATATAAATCAAAGCATCATAAATTTTCACCACCTTAT[C>T]AATGGTTGCCTCCAGGTCCAGTTTCTGAACAGATTCTAACAAACTTCTACAGCTCTTAAG-3'
Protein context (NP_001175.2, residues 554-574): VQKLDLEATI[Asp564Asn]KVVKIYDALI